The following is an entry in ClinVar:

NM_170707.4(LMNA):c.1847C>T (p.Ser616Phe)

Gene: LMNA (lamin A/C; plus strand). Cytogenetic location: 1q22.
Variant type: single nucleotide variant.
Coding change: c.1847C>T on transcript NM_170707.4 (MANE Select); coding-DNA position 1847, C replaced by T.
Protein change: p.Ser616Phe; replaces serine 616 with phenylalanine.
Molecular consequence: missense variant. On other transcripts: intron variant (1).
Genome position (GRCh38, 1-based): chr1:156,138,636, C>T. VCF-style: chr1-156138636-C-T. GRCh37 (hg19) VCF-style: chr1-156108427-C-T.
Other names: c.1223C>T, p.Ser408Phe (NM_001406994.1, NM_001406999.1, NM_001407000.1 and 1 more transcripts); c.1289C>T, p.Ser430Phe (NM_001406995.1, NM_001406996.1, NM_001406997.1 and 2 more transcripts); c.1757C>T, p.Ser586Phe (NM_170708.4); c.1818+29C>T (NM_001282626.2); c.1511C>T, p.Ser504Phe (NM_001257374.3, NM_001406989.1); c.1847C>T, p.Ser616Phe (NM_001406983.1, NM_001406985.1, NM_001406991.1); c.1604C>T, p.Ser535Phe (NM_001406986.1, NM_001406987.1); c.1550C>T, p.Ser517Phe (NM_001406988.1); short protein forms S408F, S430F, S504F, S517F, S586F, S535F, S616F.
Identifiers: ClinVar variation 4738733 (VCV004738733.1).

ClinVar aggregate classification (germline): Uncertain significance (1 of 4 stars; one submission).

Conditions:
Charcot-Marie-Tooth disease type 2. Also called: Charcot-Marie-Tooth type 2. Identifiers: Orphanet 64746, MedGen C0270914, MONDO:0018993.

gnomAD v4.1: 1 of 1,613,422 alleles (0.000062%); highest among the groups gnomAD compares: Non-Finnish European, 0.000085%; no homozygotes.

Submission:

Labcorp Genetics (formerly Invitae), Labcorp
Classification: Uncertain significance for Charcot-Marie-Tooth disease type 2. Last evaluated: 2025-12-01. Review status: criteria provided, single submitter. Criteria: Invitae Variant Classification Sherloc (09022015). Collection method: clinical testing. Allele origin: germline.
Comment: This sequence change replaces serine, which is neutral and polar, with phenylalanine, which is neutral and non-polar, at codon 616 of the LMNA protein (p.Ser616Phe). This variant is present in population databases (no rsID available, gnomAD 0.0009%). This variant has not been reported in the literature in individuals affected with LMNA-related conditions. Invitae Evidence Modeling of protein sequence and biophysical properties (such as structural, functional, and spatial information, amino acid conservation, physicochemical variation, residue mobility, and thermodynamic stability) indicates that this missense variant is expected to disrupt LMNA protein function with a positive predictive value of 95%. In summary, the available evidence is currently insufficient to determine the role of this variant in disease. Therefore, it has been classified as a Variant of Uncertain Significance.